The following is an entry in ClinVar:

ClinVar aggregate classification (germline): Uncertain significance. Review status: criteria provided, multiple submitters, no conflicts (2 of 4 stars). 2 submissions from 2 submitters: Uncertain significance (2). Last evaluated 2026-03-28.

Conditions:
Idiopathic Pulmonary Fibrosis. Also called: Idiopathic fibrosing alveolitis, chronic form; idiopathic fibrosing alveolitis. Identifiers: Orphanet 2032, MedGen C1800706, MeSH D054990, MONDO:0800504.
Dyskeratosis congenita, autosomal dominant 2. Identifiers: MedGen C3151443, MONDO:0013521, OMIM 613989.
Dyskeratosis congenita. Identifiers: Orphanet 1775, MedGen C0265965, MONDO:0015780.

Submissions (2):

Ambry Genetics
Classification: Uncertain significance for Dyskeratosis congenita. Last evaluated: 2026-03-28. Review status: criteria provided, single submitter. Criteria: Ambry Variant Classification Scheme 2023. Collection method: clinical testing. Allele origin: germline.
Comment: The c.1770-5T>C intronic variant results from a T to C substitution 5 nucleotides upstream from coding exon 4 in the TERT gene. This nucleotide position is not well conserved in available vertebrate species. In silico splice site analysis predicts that this alteration may weaken the native splice acceptor site. Based on the available evidence, the clinical significance of this variant remains unclear.

Labcorp Genetics (formerly Invitae), Labcorp
Classification: Uncertain significance for Dyskeratosis congenita, autosomal dominant 2; Idiopathic Pulmonary Fibrosis. Last evaluated: 2022-06-26. Review status: criteria provided, single submitter. Criteria: Invitae Variant Classification Sherloc (09022015). Collection method: clinical testing. Allele origin: germline.
Comment: In summary, the available evidence is currently insufficient to determine the role of this variant in disease. Therefore, it has been classified as a Variant of Uncertain Significance. Algorithms developed to predict the effect of sequence changes on RNA splicing suggest that this variant may disrupt the consensus splice site. This variant has not been reported in the literature in individuals affected with TERT-related conditions. This variant is not present in population databases (gnomAD no frequency). This sequence change falls in intron 3 of the TERT gene. It does not directly change the encoded amino acid sequence of the TERT protein.

NM_198253.3(TERT):c.1770-5T>C

Gene: TERT (telomerase reverse transcriptase; minus strand). Cytogenetic location: 5p15.33.
Variant type: single nucleotide variant.
Coding change: c.1770-5T>C on transcript NM_198253.3 (MANE Select); 5 bases into the intron before coding-DNA position 1770, T replaced by C.
Molecular consequence: intron variant.
Genome position (GRCh38, 1-based): chr5:1,280,343, A>G on the plus strand (T>C on the coding strand, the complement: TERT is on the minus strand). VCF-style: chr5-1280343-A-G. GRCh37 (hg19) VCF-style: chr5-1280458-A-G.
Other names: c.1770-5T>C (NM_001193376.3, NM_198253.2).
Identifiers: ClinVar variation 1963331 (VCV001963331.6), dbSNP rs2478286592, ClinGen allele CA2580072206.